The following is an entry in ClinVar:

ClinVar aggregate classification (germline): Uncertain significance (1 of 4 stars; one submission).

Submission:

GeneDx
Classification: Uncertain significance. Last evaluated: 2023-02-04. Review status: criteria provided, single submitter. Criteria: GeneDx Variant Classification Process June 2021. Collection method: clinical testing. Allele origin: germline. Affected: yes.
Comment: Not observed at significant frequency in large population cohorts (gnomAD); In silico analysis supports that this missense variant has a deleterious effect on protein structure/function; Has not been previously published as pathogenic or benign to our knowledge

NM_001042681.2(RERE):c.3863A>C (p.His1288Pro)

Gene: RERE (arginine-glutamic acid dipeptide repeats; minus strand). Cytogenetic location: 1p36.23.
Variant type: single nucleotide variant.
Coding change: c.3863A>C on transcript NM_001042681.2 (MANE Select); coding-DNA position 3863, A replaced by C.
Protein change: p.His1288Pro; replaces histidine 1288 with proline.
Molecular consequence: missense variant.
Genome position (GRCh38, 1-based): chr1:8,358,672, T>G on the plus strand (A>C on the coding strand, the complement: RERE is on the minus strand). VCF-style: chr1-8358672-T-G. GRCh37 (hg19) VCF-style: chr1-8418732-T-G.
Other names: c.3863A>C, p.His1288Pro (NM_012102.4); c.2201A>C, p.His734Pro (NM_001042682.2); short protein forms H1288P, H734P.
Identifiers: ClinVar variation 2575037 (VCV002575037.1), dbSNP rs2522696861, ClinGen allele CA338169690.